The following is an entry in ClinVar:

ClinVar aggregate classification (germline): Uncertain significance (1 of 4 stars; one submission).

Conditions:
Inborn genetic diseases. Identifiers: MedGen C0950123, MeSH D030342.

Allele frequency attached by ClinVar (database versions not stated): gnomAD exomes below 0.00001; ExAC 0.00001; gnomAD 0.00002; TOPMed 0.00002.
gnomAD v4.1: 6 of 1,613,896 alleles (0.00037%); highest among the groups gnomAD compares: African/African-American, 0.008%; no homozygotes.

Submission:

Ambry Genetics
Classification: Uncertain significance for Inborn genetic diseases. Last evaluated: 2020-08-07. Review status: criteria provided, single submitter. Criteria: Ambry Variant Classification Scheme 2023. Collection method: clinical testing. Allele origin: germline.
Comment: The p.L80V variant (also known as c.238C>G), located in coding exon 3 of the PMP22 gene, results from a C to G substitution at nucleotide position 238. The leucine at codon 80 is replaced by valine, an amino acid with highly similar properties. This amino acid position is highly conserved in available vertebrate species. In addition, the in silico prediction for this alteration is inconclusive. Since supporting evidence is limited at this time, the clinical significance of this alteration remains unclear.

NM_000304.4(PMP22):c.238C>G (p.Leu80Val)

Gene: PMP22 (peripheral myelin protein 22; minus strand). Cytogenetic location: 17p12.
Variant type: single nucleotide variant.
Coding change: c.238C>G on transcript NM_000304.4 (MANE Select); coding-DNA position 238, C replaced by G.
Protein change: p.Leu80Val; replaces leucine 80 with valine.
Molecular consequence: missense variant. On other transcripts: non-coding transcript variant (2).
Genome position (GRCh38, 1-based): chr17:15,239,552, G>C on the plus strand (C>G on the coding strand, the complement: PMP22 is on the minus strand). VCF-style: chr17-15239552-G-C. GRCh37 (hg19) VCF-style: chr17-15142869-G-C.
Other names: c.238C>G, p.Leu80Val (NM_001281455.2, NM_001281456.2, NM_001330143.2 and 2 more transcripts); short protein forms L80V.
Identifiers: ClinVar variation 1790540 (VCV001790540.2), dbSNP rs773201903, ClinGen allele CA8403379.